The following is an entry in ClinVar:

ClinVar aggregate classification (germline): Likely pathogenic (1 of 4 stars; one submission).

Conditions:
Pilarowski-Bjornsson syndrome. Also called: DEVELOPMENTAL DELAY AND SPEECH APRAXIA WITH OR WITHOUT SEIZURES. Identifiers: Orphanet 529965, MedGen C4540131, MONDO:0060568, OMIM 617682.

Allele frequency attached by ClinVar (database versions not stated): gnomAD exomes below 0.00001.
gnomAD v4.1: 1 of 1,589,240 alleles (0.000063%); highest among the groups gnomAD compares: Non-Finnish European, 0.000085%; no homozygotes.

Submission:

Greenwood Genetic Center Diagnostic Laboratories, Greenwood Genetic Center
Classification: Likely pathogenic for Pilarowski-Bjornsson syndrome. Last evaluated: 2022-07-25. Review status: criteria provided, single submitter. Criteria: ACMG Guidelines, 2015. Collection method: clinical testing. Allele origin: germline. Affected: yes.
Comment: PS2, PM2, PP2, PP3

NM_001270.4(CHD1):c.1978A>G (p.Ile660Val)

Gene: CHD1 (chromodomain helicase DNA binding protein 1; minus strand). Cytogenetic location: 5q15.
Variant type: single nucleotide variant.
Coding change: c.1978A>G on transcript NM_001270.4 (MANE Select); coding-DNA position 1978, A replaced by G.
Protein change: p.Ile660Val; replaces isoleucine 660 with valine.
Molecular consequence: missense variant. On other transcripts: non-coding transcript variant (2).
Genome position (GRCh38, 1-based): chr5:98,893,429, T>C on the plus strand (A>G on the coding strand, the complement: CHD1 is on the minus strand). VCF-style: chr5-98893429-T-C. GRCh37 (hg19) VCF-style: chr5-98229133-T-C.
Other names: c.1978A>G, p.Ile660Val (NM_001364113.3, NM_001376194.2); short protein forms I660V.
Identifiers: ClinVar variation 1710449 (VCV001710449.3), dbSNP rs2479646862, ClinGen allele CA360516753.